The following is an entry in ClinVar:

NM_001243133.2(NLRP3):c.343T>G (p.Trp115Gly)

Gene: NLRP3 (NLR family pyrin domain containing 3; plus strand). Cytogenetic location: 1q44.
Variant type: single nucleotide variant.
Coding change: c.343T>G on transcript NM_001243133.2 (MANE Select); coding-DNA position 343, T replaced by G.
Protein change: p.Trp115Gly; replaces tryptophan 115 with glycine.
Molecular consequence: missense variant.
Genome position (GRCh38, 1-based): chr1:247,423,295, T>G. VCF-style: chr1-247423295-T-G. GRCh37 (hg19) VCF-style: chr1-247586597-T-G.
Other names: c.343T>G, p.Trp115Gly (NM_001079821.3, NM_001127461.3, NM_001127462.3 and 1 more transcripts); c.349T>G, p.Trp117Gly (NM_004895.5); short protein forms W115G, W117G.
Identifiers: ClinVar variation 3897288 (VCV003897288.1).

ClinVar aggregate classification (germline): Uncertain significance (1 of 4 stars; one submission).

Submission:

GeneDx
Classification: Uncertain significance. Last evaluated: 2024-10-30. Review status: criteria provided, single submitter. Criteria: GeneDx Variant Classification Process June 2021. Collection method: clinical testing. Allele origin: germline. Affected: yes.
Comment: Not observed at significant frequency in large population cohorts (gnomAD); In silico analysis indicates that this missense variant does not alter protein structure/function; Has not been previously published as pathogenic or benign to our knowledge; Also known as p.(W115G)